The following is an entry in ClinVar:

ClinVar aggregate classification (germline): Pathogenic. Review status: criteria provided, multiple submitters, no conflicts (2 of 4 stars). 2 submissions from 2 submitters: Pathogenic (2). Last evaluated 2026-09-01.

Conditions:
Hereditary cancer-predisposing syndrome. Also called: Neoplastic Syndromes, Hereditary; Tumor predisposition; Hereditary Cancer Syndrome; Hereditary neoplastic syndrome. Identifiers: Orphanet 140162, MedGen C0027672, MeSH D009386, MONDO:0015356.
Retinoblastoma (RB1). Also called: RETINOBLASTOMA, SOMATIC. Identifiers: Orphanet 790, MedGen C0035335, MeSH D012175, MONDO:0008380, OMIM 180200, HP:0009919. Disease mechanism: loss of function. Inheritance: Both sporadic and heritable forms are tested..

Submissions (2):

Ambry Genetics
Classification: Pathogenic for Hereditary cancer-predisposing syndrome. Last evaluated: 2026-09-01. Review status: criteria provided, single submitter. Criteria: Ambry Variant Classification Scheme 2023. Collection method: clinical testing. Allele origin: germline.
Comment: The c.1498+1G>T intronic pathogenic mutation results from a G to T substitution one nucleotide after coding exon 16 of the RB1 gene. This variant was reported in individual(s) with features consistent with RB1-related retinoblastoma (Ambry internal data). Other variants impacting the same donor site (c.1498+1G>A, c.1498+2T>C) have been identified in individuals with features consistent with RB1-related retinoblastoma (Zhang Q et al. Yan Ke Xue Bao, 1997 Mar;13:5-11; Ambry internal data). This variant is considered to be rare based on population cohorts in the Genome Aggregation Database (gnomAD). This nucleotide position is highly conserved in available vertebrate species. In silico splice site analysis predicts that this alteration will weaken the native splice donor site. Variants that disrupt the canonical splice site are expected to cause aberrant splicing, resulting in an abnormal protein or a transcript that is subject to nonsense-mediated mRNA decay. Based on the supporting evidence, this variant is interpreted as a disease-causing mutation.

Genetic Diagnostic Laboratory, University of Pennsylvania School of Medicine
Classification: Pathogenic for Retinoblastoma. Last evaluated: 2024-05-20. Review status: criteria provided, single submitter. Criteria: ACMG Guidelines, 2015. Collection method: clinical testing. Allele origin: germline. Affected: yes. Observed: 1 variant allele.
Comment: Case and Pedigree Information: BILATERAL CASES:1, UNILATERAL CASES:0, TOTAL CASES:1, PEDIGREES:1. ACMG Codes Applied:PVS1, PM2

Literature cited by the submitters: PubMed 11189328 (cited by Ambry Genetics).

NM_000321.3(RB1):c.1498+1G>T

Gene: RB1 (RB transcriptional corepressor 1; plus strand). Cytogenetic location: 13q14.2.
Variant type: single nucleotide variant.
Coding change: c.1498+1G>T on transcript NM_000321.3 (MANE Select); the canonical splice donor site of the intron after coding-DNA position 1498, G replaced by T.
Molecular consequence: splice donor variant.
Genome position (GRCh38, 1-based): chr13:48,380,242, G>T. VCF-style: chr13-48380242-G-T. GRCh37 (hg19) VCF-style: chr13-48954378-G-T.
Other names: c.1498+1G>T (NM_001407165.1, NM_001407166.1, NM_000321.2).
Identifiers: ClinVar variation 3236998 (VCV003236998.2), dbSNP rs1131690909.
Genomic context (GRCh38, chr13:48,380,242, plus strand): 5'-ACATTTTTCATATGTCTTTATTGGCGTGCGCTCTTGAGGTTGTAATGGCCACATATAGCA[G>T]TAAGTTAAATTTTCATAAATAAACACTTTTGTTCAATTTAAAGTTAAAATGTGGTGTGTT-3'